The following is an entry in ClinVar:

ClinVar aggregate classification (germline): Benign. Review status: criteria provided, multiple submitters, no conflicts (2 of 4 stars). 2 submissions from 2 submitters: Benign (2). Last evaluated 2018-01-13.

Conditions:
Alport syndrome. Also called: Hemorrhagic familial nephritis; Hemorrhagic hereditary nephritis; Congenital hereditary hematuria. Identifiers: Orphanet 63, MedGen C1567741, MONDO:0018965.

Allele frequency attached by ClinVar (database versions not stated): gnomAD 0.02764 and 0.02952; TOPMed 0.03171; 1000 Genomes Project 0.03454; 1000 Genomes Project 30x 0.03638.

Submissions (2):

Illumina Laboratory Services, Illumina
Classification: Benign for Alport syndrome. Last evaluated: 2018-01-13. Review status: criteria provided, single submitter. Criteria: ICSL Variant Classification Criteria 13 December 2019. Collection method: clinical testing. Allele origin: germline.
Comment: This variant was observed in the ICSL laboratory as part of a predisposition screen in an ostensibly healthy population. It had not been previously curated by ICSL or reported in the Human Gene Mutation Database (HGMD: prior to June 1st, 2018), and was therefore a candidate for classification through an automated scoring system. Utilizing variant allele frequency, disease prevalence and penetrance estimates, and inheritance mode, an automated score was calculated to assess if this variant is too frequent to cause the disease. Based on the score and internal cut-off values, a variant classified as benign is not then subjected to further curation. The score for this variant resulted in a classification of benign for this disease.

Breakthrough Genomics
Classification: Benign. Review status: criteria provided, single submitter. Criteria: ACMG Guidelines, 2015. Collection method: not provided. Allele origin: germline. Inheritance: Autosomal recessive inheritance. Affected: yes.

NM_000091.5(COL4A3):c.*589C>T

Genes: COL4A3 (collagen type IV alpha 3 chain; plus strand), MFF-DT (MFF divergent transcript; minus strand). Cytogenetic location: 2q36.3.
Variant type: single nucleotide variant.
Coding change: c.*589C>T on transcript NM_000091.5 (MANE Select); 589 bases downstream of the stop codon, C replaced by T.
Molecular consequence: 3 prime UTR variant.
Genome position (GRCh38, 1-based): chr2:227,312,459, C>T. VCF-style: chr2-227312459-C-T. GRCh37 (hg19) VCF-style: chr2-228177175-C-T.
Identifiers: ClinVar variation 334794 (VCV000334794.6), dbSNP rs55698424, ClinGen allele CA10613015.